The following is an entry in ClinVar:

NM_000363.5(TNNI3):c.79C>G (p.Arg27Gly)

Gene: TNNI3 (troponin I3, cardiac type; minus strand). Cytogenetic location: 19q13.42.
Variant type: single nucleotide variant.
Coding change: c.79C>G on transcript NM_000363.5 (MANE Select); coding-DNA position 79, C replaced by G.
Protein change: p.Arg27Gly; replaces arginine 27 with glycine.
Molecular consequence: missense variant.
Genome position (GRCh38, 1-based): chr19:55,157,079, G>C on the plus strand (C>G on the coding strand, the complement: TNNI3 is on the minus strand). VCF-style: chr19-55157079-G-C. GRCh37 (hg19) VCF-style: chr19-55668447-G-C.
Other names: short protein forms R27G.
Identifiers: ClinVar variation 505803 (VCV000505803.14), dbSNP rs1555864366, ClinGen allele CA407442984.

ClinVar aggregate classification (germline): Uncertain significance. Review status: criteria provided, multiple submitters, no conflicts (2 of 4 stars). 3 submissions from 3 submitters: Uncertain significance (3). Last evaluated 2024-03-06.

Conditions:
Cardiovascular phenotype. Identifiers: MedGen CN230736.
Hypertrophic cardiomyopathy. Also called: HYPERTROPHIC MYOCARDIOPATHY. Identifiers: Orphanet 217569, MedGen C0007194, MeSH D002312, MONDO:0005045, HP:0001639.

Submissions (3):

Labcorp Genetics (formerly Invitae), Labcorp
Classification: Uncertain significance for Hypertrophic cardiomyopathy. Last evaluated: 2024-03-06. Review status: criteria provided, single submitter. Criteria: Invitae Variant Classification Sherloc (09022015). Collection method: clinical testing. Allele origin: germline.
Comment: This sequence change replaces arginine, which is basic and polar, with glycine, which is neutral and non-polar, at codon 27 of the TNNI3 protein (p.Arg27Gly). This variant is not present in population databases (gnomAD no frequency). This variant has not been reported in the literature in individuals affected with TNNI3-related conditions. ClinVar contains an entry for this variant (Variation ID: 505803). An algorithm developed to predict the effect of missense changes on protein structure and function (PolyPhen-2) suggests that this variant is likely to be disruptive. In summary, the available evidence is currently insufficient to determine the role of this variant in disease. Therefore, it has been classified as a Variant of Uncertain Significance.

Ambry Genetics
Classification: Uncertain significance for Cardiovascular phenotype. Last evaluated: 2024-01-22. Review status: criteria provided, single submitter. Criteria: Ambry Variant Classification Scheme 2023. Collection method: clinical testing. Allele origin: germline.
Comment: The p.R27G variant (also known as c.79C>G), located in coding exon 3 of the TNNI3 gene, results from a C to G substitution at nucleotide position 79. The arginine at codon 27 is replaced by glycine, an amino acid with dissimilar properties. This amino acid position is conserved. In addition, the in silico prediction for this alteration is inconclusive. Since supporting evidence is limited at this time, the clinical significance of this alteration remains unclear.

Laboratory for Molecular Medicine, Mass General Brigham Personalized Medicine
Classification: Uncertain significance. Last evaluated: 2018-10-16. Review status: criteria provided, single submitter. Criteria: LMM Criteria. Collection method: clinical testing. Allele origin: germline. Observed: 5 variant alleles.
Comment: Variant classified as Uncertain Significance - Favor Pathogenic. It was absent fr om large population studies. Computational prediction tools and conservation ana lysis do not provide strong support for or against an impact to the protein. In summary, while there is some suspicion for a pathogenic role, the clinical signi ficance of the p.Arg27Gly variant is uncertain. ACMG/AMP Criteria applied: PM2; PP1.